The following is an entry in ClinVar:

ClinVar aggregate classification (germline): Likely benign. Review status: criteria provided, single submitter (1 of 4 stars). 2 submissions from 2 submitters: Likely benign (1). 1 of the submissions does not count toward it. Last evaluated 2025-11-03.

Conditions:
TNFRSF6B-related disorder. Also called: TNFRSF6B-related condition.

Allele frequency attached by ClinVar (database versions not stated): TOPMed 0.00010; ExAC 0.00014; gnomAD exomes 0.00014; 1000 Genomes Project 0.00040; 1000 Genomes Project 30x 0.00047.
gnomAD v4.1: 170 of 1,605,106 alleles (0.011%); highest among the groups gnomAD compares: East Asian, 0.054%; no homozygotes.

Submissions (2):

Labcorp Genetics (formerly Invitae), Labcorp
Classification: Likely benign. Last evaluated: 2025-11-03. Review status: criteria provided, single submitter. Criteria: Invitae Variant Classification Sherloc (09022015). Collection method: clinical testing. Allele origin: germline.

PreventionGenetics, part of Exact Sciences
Classification: Likely benign for TNFRSF6B-related condition. Last evaluated: 2023-11-03. Review status: no assertion criteria provided. Collection method: clinical testing. Allele origin: germline. Not counted in ClinVar's aggregate classification.
Comment: This variant is classified as likely benign based on ACMG/AMP sequence variant interpretation guidelines (Richards et al. 2015 PMID: 25741868, with internal and published modifications).

NM_003823.4(TNFRSF6B):c.183G>A (p.Pro61=)

Genes: RTEL1-TNFRSF6B (RTEL1-TNFRSF6B readthrough (NMD candidate); plus strand), TNFRSF6B (TNF receptor superfamily member 6b; plus strand). Cytogenetic location: 20q13.33.
Variant type: single nucleotide variant.
Coding change: c.183G>A on transcript NM_003823.4 (MANE Select); coding-DNA position 183, G replaced by A.
Protein change: p.Pro61=; no amino-acid change (proline 61 retained).
Molecular consequence: synonymous variant. On other transcripts: non-coding transcript variant (1).
Genome position (GRCh38, 1-based): chr20:63,696,950, G>A. VCF-style: chr20-63696950-G-A. GRCh37 (hg19) VCF-style: chr20-62328303-G-A.
Other names: c.183G>A (NM_003823.3).
Identifiers: ClinVar variation 1612729 (VCV001612729.10), dbSNP rs538491653, ClinGen allele CA9966351.